The following is an entry in ClinVar:

NM_000478.6(ALPL):c.19G>C (p.Val7Leu)

Gene: ALPL (alkaline phosphatase, biomineralization associated; plus strand). Cytogenetic location: 1p36.12.
Variant type: single nucleotide variant.
Coding change: c.19G>C on transcript NM_000478.6 (MANE Select); coding-DNA position 19, G replaced by C.
Protein change: p.Val7Leu; replaces valine 7 with leucine.
Molecular consequence: missense variant. On other transcripts: intron variant (2).
Genome position (GRCh38, 1-based): chr1:21,554,100, G>C. VCF-style: chr1-21554100-G-C. GRCh37 (hg19) VCF-style: chr1-21880593-G-C.
Other names: c.19G>C, p.Val7Leu (NM_001369804.2, NM_001369805.2, NM_001369803.2); c.-104-6526G>C (NM_001127501.4); c.-54-6526G>C (NM_001177520.3); short protein forms V7L.
Identifiers: ClinVar variation 3606221 (VCV003606221.2).

ClinVar aggregate classification (germline): Uncertain significance (1 of 4 stars; one submission).

gnomAD v4.1: 40 of 1,572,976 alleles (0.0025%); highest among the groups gnomAD compares: Non-Finnish European, 0.0034%; no homozygotes.

Submission:

Labcorp Genetics (formerly Invitae), Labcorp
Classification: Uncertain significance. Last evaluated: 2025-01-01. Review status: criteria provided, single submitter. Criteria: Invitae Variant Classification Sherloc (09022015). Collection method: clinical testing. Allele origin: germline.
Comment: This sequence change replaces valine, which is neutral and non-polar, with leucine, which is neutral and non-polar, at codon 7 of the ALPL protein (p.Val7Leu). This variant is present in population databases (no rsID available, gnomAD 0.0009%). This variant has not been reported in the literature in individuals affected with ALPL-related conditions. Invitae Evidence Modeling of protein sequence and biophysical properties (such as structural, functional, and spatial information, amino acid conservation, physicochemical variation, residue mobility, and thermodynamic stability) has been performed for this missense variant. However, the output from this modeling did not meet the statistical confidence thresholds required to predict the impact of this variant on ALPL protein function. In summary, the available evidence is currently insufficient to determine the role of this variant in disease. Therefore, it has been classified as a Variant of Uncertain Significance.